The following is an entry in ClinVar:

NM_003172.4(SURF1):c.579del (p.Gly195fs)

Gene: SURF1 (SURF1 cytochrome c oxidase assembly factor; minus strand). Cytogenetic location: 9q34.2.
Variant type: Deletion.
Coding change: c.579del on transcript NM_003172.4 (MANE Select); coding-DNA position 579, one base deleted (G; older notation c.579delG).
Protein change: p.Gly195fs; shifts the reading frame from glycine 195.
Molecular consequence: frameshift variant.
Genome position (GRCh38, 1-based): chr9:133,352,703, C deleted on the plus strand (G on the coding strand, the reverse complement: SURF1 is on the minus strand). VCF-style (leftmost placement, unchanged base first): chr9-133352702-TC-T. GRCh37 (hg19) VCF-style: chr9-136219557-TC-T.
Other names: c.252del, p.Gly86fs (NM_001280787.1); short protein forms G195fs, G86fs.
Identifiers: ClinVar variation 2751525 (VCV002751525.3), dbSNP rs2490616724, ClinGen allele CA2697558163.

ClinVar aggregate classification (germline): Pathogenic (1 of 4 stars; one submission).

Conditions:
Leigh syndrome (NULS). Also called: LEIGH SYNDROME, NUCLEAR; Leigh's syndrome; Leigh's necrotizing encephalopathy; Leigh's disease; Leigh Syndrome (mtDNA deletion); Leigh Disease. Identifiers: Orphanet 506, MedGen C2931891, MONDO:0009723, OMIM 256000.

Submission:

Labcorp Genetics (formerly Invitae), Labcorp
Classification: Pathogenic for Leigh syndrome. Last evaluated: 2023-08-10. Review status: criteria provided, single submitter. Criteria: Invitae Variant Classification Sherloc (09022015). Collection method: clinical testing. Allele origin: germline.
Comment: This sequence change creates a premature translational stop signal (p.Gly195Alafs*13) in the SURF1 gene. It is expected to result in an absent or disrupted protein product. Loss-of-function variants in SURF1 are known to be pathogenic (PMID: 10443880, 22488715, 24027061). This variant is not present in population databases (gnomAD no frequency). For these reasons, this variant has been classified as Pathogenic. This variant has not been reported in the literature in individuals affected with SURF1-related conditions.

Literature cited by the submitters: PubMed 10443880; PubMed 22488715; PubMed 24027061.